The following is an entry in ClinVar:

ClinVar aggregate classification (germline): Pathogenic (1 of 4 stars; one submission).

Allele frequency attached by ClinVar (database versions not stated): TOPMed below 0.00001; gnomAD 0.00001; gnomAD exomes 0.00001.
gnomAD v4.1: 19 of 1,609,726 alleles (0.0012%); highest among the groups gnomAD compares: Non-Finnish European, 0.0014%; no homozygotes.

Submission:

Labcorp Genetics (formerly Invitae), Labcorp
Classification: Pathogenic. Last evaluated: 2022-08-22. Review status: criteria provided, single submitter. Criteria: Invitae Variant Classification Sherloc (09022015). Collection method: clinical testing. Allele origin: germline.
Comment: For these reasons, this variant has been classified as Pathogenic. This premature translational stop signal has been observed in individual(s) with autosomal recessive primary microcephaly (PMID: 20679666, 27784895). In at least one individual the data is consistent with being in trans (on the opposite chromosome) from a pathogenic variant. This variant is present in population databases (no rsID available, gnomAD 0.0009%). This sequence change creates a premature translational stop signal (p.Trp1395*) in the ASPM gene. It is expected to result in an absent or disrupted protein product. Loss-of-function variants in ASPM are known to be pathogenic (PMID: 19028728, 23611254).

Literature cited by the submitters: PubMed 20679666; PubMed 27784895; PubMed 19028728; PubMed 23611254.

NM_018136.5(ASPM):c.4184G>A (p.Trp1395Ter)

Gene: ASPM (assembly factor for spindle microtubules; minus strand). Cytogenetic location: 1q31.3.
Variant type: single nucleotide variant.
Coding change: c.4184G>A on transcript NM_018136.5 (MANE Select); coding-DNA position 4184, G replaced by A.
Protein change: p.Trp1395Ter; replaces tryptophan 1395 with a stop codon.
Molecular consequence: nonsense. On other transcripts: intron variant (1).
Genome position (GRCh38, 1-based): chr1:197,105,067, C>T on the plus strand (G>A on the coding strand, the complement: ASPM is on the minus strand). VCF-style: chr1-197105067-C-T. GRCh37 (hg19) VCF-style: chr1-197074197-C-T.
Other names: c.4066-8903G>A (NM_001206846.2); short protein forms W1395*.
Identifiers: ClinVar variation 2202904 (VCV002202904.4), dbSNP rs1376545242, ClinGen allele CA344031533.
Genomic context (GRCh38, chr1:197,105,067, plus strand): 5'-TGTTGATCTTGTTTTCTTCTTAAATAAGCACGCCAATGCCTCTGAATTGTAACTGTAGCC[C>T]AAAGATATCGTTTATAAGATGTAACAGCAATTATCATTCTTATCCTAGATTGCAGGATGA-3'